The following is an entry in ClinVar:

ClinVar aggregate classification (germline): Benign/Likely benign. Review status: criteria provided, multiple submitters, no conflicts (2 of 4 stars). 3 submissions from 3 submitters: Benign (1); Likely benign (2). Last evaluated 2025-12-29.

Conditions:
Vici syndrome (VICIS). Identifiers: Orphanet 1493, MedGen C1855772, MONDO:0009452, OMIM 242840.

Allele frequency attached by ClinVar (database versions not stated): ESP Exome Variant Server 0.00024; 1000 Genomes Project 30x 0.00031; TOPMed 0.00035; ExAC 0.00045; gnomAD 0.00048 and 0.00051; gnomAD exomes 0.00051 and 0.00053.
gnomAD v4.1: 837 of 1,613,874 alleles (0.052%); highest among the groups gnomAD compares: Non-Finnish European, 0.06%; 2 homozygotes.

Submissions (3):

Labcorp Genetics (formerly Invitae), Labcorp
Classification: Benign for Vici syndrome. Last evaluated: 2025-12-29. Review status: criteria provided, single submitter. Criteria: Invitae Variant Classification Sherloc (09022015). Collection method: clinical testing. Allele origin: germline.

Blueprint Genetics
Classification: Likely benign. Last evaluated: 2024-10-21. Review status: criteria provided, single submitter. Criteria: ACMG Guidelines, 2015. Collection method: clinical testing. Allele origin: germline.

CeGaT Center for Human Genetics Tuebingen
Classification: Likely benign. Last evaluated: 2024-03-01. Review status: criteria provided, single submitter. Criteria: CeGaT Center For Human Genetics Tuebingen Variant Classification Criteria Version 2. Collection method: clinical testing. Allele origin: germline. Affected: yes. Observed: 1 variant allele.
Comment: EPG5: BP4, BP7

NM_020964.3(EPG5):c.6162G>A (p.Thr2054=)

Gene: EPG5 (ectopic P-granules 5 autophagy tethering factor; minus strand). Cytogenetic location: 18q12.3.
Variant type: single nucleotide variant.
Coding change: c.6162G>A on transcript NM_020964.3 (MANE Select); coding-DNA position 6162, G replaced by A.
Protein change: p.Thr2054=; no amino-acid change (threonine 2054 retained).
Molecular consequence: synonymous variant.
Genome position (GRCh38, 1-based): chr18:45,870,630, C>T on the plus strand (G>A on the coding strand, the complement: EPG5 is on the minus strand). VCF-style: chr18-45870630-C-T. GRCh37 (hg19) VCF-style: chr18-43450595-C-T.
Other names: c.6162G>A, p.Thr2054= (LRG_1234t1).
Identifiers: ClinVar variation 534605 (VCV000534605.35), dbSNP rs368651243, ClinGen allele CA8948358.